The following is an entry in ClinVar:

ClinVar aggregate classification (germline): Benign. Review status: criteria provided, multiple submitters, no conflicts (2 of 4 stars). 7 submissions from 7 submitters: Benign (7). Last evaluated 2026-02-04.

Allele frequency attached by ClinVar (database versions not stated): gnomAD exomes 0.00226 and 0.00583; ExAC 0.00700; gnomAD 0.02318 and 0.02496; ESP Exome Variant Server 0.02322; TOPMed 0.02628; 1000 Genomes Project 0.02636; 1000 Genomes Project 30x 0.02670.
gnomAD v4.1: 6,982 of 1,613,756 alleles (0.43%); highest among the groups gnomAD compares: African/African-American, 8%; 241 homozygotes.

Submissions (7):

Labcorp Genetics (formerly Invitae), Labcorp
Classification: Benign. Last evaluated: 2026-02-04. Review status: criteria provided, single submitter. Criteria: Invitae Variant Classification Sherloc (09022015). Collection method: clinical testing. Allele origin: germline.

ARUP Laboratories, Molecular Genetics and Genomics, ARUP Laboratories
Classification: Benign. Last evaluated: 2023-10-16. Review status: criteria provided, single submitter. Criteria: ARUP Molecular Germline Variant Investigation Process 2024. Collection method: clinical testing. Allele origin: germline.

Mayo Clinic Laboratories, Mayo Clinic
Classification: Benign. Last evaluated: 2022-10-18. Review status: criteria provided, single submitter. Criteria: ACMG Guidelines, 2015. Collection method: clinical testing. Allele origin: germline. Observed: 6 variant alleles.

Athena Diagnostics
Classification: Benign. Last evaluated: 2018-05-23. Review status: criteria provided, single submitter. Criteria: Athena Diagnostics Criteria. Collection method: clinical testing. Allele origin: germline.

GeneDx
Classification: Benign. Last evaluated: 2017-10-05. Review status: criteria provided, single submitter. Criteria: GeneDx Variant Classification (06012015). Collection method: clinical testing. Allele origin: germline. Affected: yes.
Comment: This variant is considered likely benign or benign based on one or more of the following criteria: it is a conservative change, it occurs at a poorly conserved position in the protein, it is predicted to be benign by multiple in silico algorithms, and/or has population frequency not consistent with disease.

Laboratory for Molecular Medicine, Mass General Brigham Personalized Medicine
Classification: Benign. Last evaluated: 2011-04-27. Review status: criteria provided, single submitter. Criteria: LMM Criteria. Collection method: clinical testing. Allele origin: germline. Observed: 32 variant alleles.
Comment: This variant is not expected to have clinical significance because it does not a lter an amino acid residue, is not located near a splice junction and has been r ecorded in dbSNP as a high frequency polymorphism in Black populations (rs123862 39. Yoruban = 10% [23/224 chromosomes], Luhya in Webuye, Kenya = 18% [32/180 chr omosomes]).

Breakthrough Genomics
Classification: Benign. Review status: criteria provided, single submitter. Criteria: ACMG Guidelines, 2015. Collection method: not provided. Allele origin: germline. Inheritance: Autosomal recessive inheritance. Affected: yes.

NM_194248.3(OTOF):c.5097C>T (p.Ile1699=)

Genes: OTOF (otoferlin; minus strand), LOC112840921 (BRD4-independent group 4 enhancer GRCh37_chr2:26685720-26686919; plus strand). Cytogenetic location: 2p23.3.
Variant type: single nucleotide variant.
Coding change: c.5097C>T on transcript NM_194248.3 (MANE Select); coding-DNA position 5097, C replaced by T.
Protein change: p.Ile1699=; no amino-acid change (isoleucine 1699 retained).
Molecular consequence: synonymous variant.
Genome position (GRCh38, 1-based): chr2:26,463,970, G>A on the plus strand (C>T on the coding strand, the complement: OTOF is on the minus strand). VCF-style: chr2-26463970-G-A. GRCh37 (hg19) VCF-style: chr2-26686838-G-A.
Other names: p.Ile1699=; c.5097C>T, p.Ile1699= (NM_001287489.2); c.2796C>T, p.Ile932= (NM_004802.4, NM_194323.3); c.3027C>T, p.Ile1009= (NM_194322.3).
Identifiers: ClinVar variation 48252 (VCV000048252.18), dbSNP rs12386239, ClinGen allele CA142923.